The following is an entry in ClinVar:

ClinVar aggregate classification (germline): Uncertain significance (1 of 4 stars; one submission).

Conditions:
Hereditary spastic paraplegia 48. Also called: Spastic paraplegia 48; SPASTIC PARAPLEGIA 48, AUTOSOMAL RECESSIVE. Identifiers: Orphanet 306511, MedGen C3150901, MONDO:0013342, OMIM 613647.

gnomAD v4.1: 1 of 1,559,790 alleles (0.000064%); highest among the groups gnomAD compares: Non-Finnish European, 0.000087%; no homozygotes.

Submission:

Labcorp Genetics (formerly Invitae), Labcorp
Classification: Uncertain significance for Hereditary spastic paraplegia 48. Last evaluated: 2025-10-26. Review status: criteria provided, single submitter. Criteria: Invitae Variant Classification Sherloc (09022015). Collection method: clinical testing. Allele origin: germline.
Comment: This sequence change replaces arginine, which is basic and polar, with glycine, which is neutral and non-polar, at codon 247 of the AP5Z1 protein (p.Arg247Gly). This variant is not present in population databases (gnomAD no frequency). This variant has not been reported in the literature in individuals affected with AP5Z1-related conditions. Invitae Evidence Modeling of protein sequence and biophysical properties (such as structural, functional, and spatial information, amino acid conservation, physicochemical variation, residue mobility, and thermodynamic stability) indicates that this missense variant is expected to disrupt AP5Z1 protein function with a positive predictive value of 80%. In summary, the available evidence is currently insufficient to determine the role of this variant in disease. Therefore, it has been classified as a Variant of Uncertain Significance.

NM_014855.3(AP5Z1):c.739C>G (p.Arg247Gly)

Gene: AP5Z1 (adaptor related protein complex 5 subunit zeta 1; plus strand). Cytogenetic location: 7p22.1.
Variant type: single nucleotide variant.
Coding change: c.739C>G on transcript NM_014855.3 (MANE Select); coding-DNA position 739, C replaced by G.
Protein change: p.Arg247Gly; replaces arginine 247 with glycine.
Molecular consequence: missense variant. On other transcripts: non-coding transcript variant (1).
Genome position (GRCh38, 1-based): chr7:4,784,320, C>G. VCF-style: chr7-4784320-C-G. GRCh37 (hg19) VCF-style: chr7-4823951-C-G.
Other names: c.271C>G, p.Arg91Gly (NM_001364858.1); short protein forms R247G, R91G.
Identifiers: ClinVar variation 4745504 (VCV004745504.1).
Genomic context (GRCh38, chr7:4,784,320, plus strand): 5'-TCCAGCGGCCACCGCTTCACAGACGACCAGTGGCTGAACGTGCAGGCCTTCTCTATGCTG[C>G]GGGCGTGGCTGCTGCACAGCGGCCCCGAGGGCCCGGGCACCCTGGACACAGGTGTGCGGG-3'
Protein context (NP_055670.1, residues 237-257): WLNVQAFSML[Arg247Gly]AWLLHSGPEG